The following is an entry in ClinVar:

NM_001038603.3(MARVELD2):c.799_800del (p.Thr267fs)

Gene: MARVELD2 (MARVEL domain containing 2; plus strand). Cytogenetic location: 5q13.2.
Variant type: Deletion.
Coding change: c.799_800del on transcript NM_001038603.3 (MANE Select); coding-DNA positions 799 to 800, 2 bases deleted (AC; older notation c.799_800delAC).
Protein change: p.Thr267fs; shifts the reading frame from threonine 267.
Molecular consequence: frameshift variant.
Genome position (GRCh38, 1-based): chr5:69,420,184-69,420,185, AC deleted; deleting any 2 consecutive bases within chr5:69,420,183-69,420,185 gives the same sequence; the c. name uses the placement nearest the transcript's 3' end. VCF-style (leftmost placement, unchanged base first): chr5-69420182-CCA-C. GRCh37 (hg19) VCF-style: chr5-68716009-CCA-C.
Other names: c.799_800del, p.Thr267fs (NM_001244734.2); c.799_800delAC (NM_001038603.2); c.799_800del (NM_001038603.2); short protein forms T267fs.
Identifiers: ClinVar variation 817776 (VCV000817776.2), dbSNP rs748539820, ClinGen allele CA3294115.
Genomic context (GRCh38, chr5:69,420,182, plus strand): 5'-ATTACTACACTGGCCCTAAGACCCCTTTTGTACTCGTGGTTGCTGGATTAGCTTGGATCA[CCA>C]CCATTATTATTCTGGTTCTTGGCATGTCCATGTATTACCGGACCATTCTTCTGGACTCTA-3'

ClinVar aggregate classification (germline): Pathogenic (1 of 4 stars; one submission).

Submission:

GeneDx
Classification: Pathogenic. Last evaluated: 2024-05-08. Review status: criteria provided, single submitter. Criteria: GeneDx Variant Classification Process June 2021. Collection method: clinical testing. Allele origin: germline. Affected: yes.
Comment: Frameshift variant predicted to result in protein truncation or nonsense mediated decay in a gene for which loss of function is a known mechanism of disease; Not observed at significant frequency in large population cohorts (gnomAD); Has not been previously published as pathogenic or benign to our knowledge